The following is an entry in ClinVar:

ClinVar aggregate classification (germline): Uncertain significance (1 of 4 stars; one submission).

Conditions:
KMT2B-related disorder. Also called: KMT2B-related disorders; KMT2B-related condition. Identifiers: MedGen CN381338.

gnomAD v4.1: 1 of 1,569,830 alleles (0.000064%); no homozygotes.

Submission:

PreventionGenetics, part of Exact Sciences
Classification: Uncertain significance for KMT2B-related condition. Last evaluated: 2026-04-21. Review status: criteria provided, single submitter. Criteria: ACMG Guidelines, 2015. Collection method: clinical testing. Allele origin: germline.
Comment: The KMT2B c.7661G>A variant is predicted to result in the amino acid substitution p.Arg2554His. To our knowledge, this variant has not been reported in the literature, or in a large population database (gnomAD), indicating this variant is rare. At this time, the clinical significance of this variant is uncertain due to the absence of conclusive functional and genetic evidence.

NM_014727.3(KMT2B):c.7661G>A (p.Arg2554His)

Gene: KMT2B (lysine methyltransferase 2B; plus strand). Cytogenetic location: 19q13.12.
Variant type: single nucleotide variant.
Coding change: c.7661G>A on transcript NM_014727.3 (MANE Select); coding-DNA position 7661, G replaced by A.
Protein change: p.Arg2554His; replaces arginine 2554 with histidine.
Molecular consequence: missense variant.
Genome position (GRCh38, 1-based): chr19:35,737,861, G>A. VCF-style: chr19-35737861-G-A. GRCh37 (hg19) VCF-style: chr19-36228762-G-A.
Other names: short protein forms R2554H.
Identifiers: ClinVar variation 4984689 (VCV004984689.1).